The following is an entry in ClinVar:

ClinVar aggregate classification (germline): Likely benign. Review status: criteria provided, multiple submitters, no conflicts (2 of 4 stars). 2 submissions from 2 submitters: Likely benign (2). Last evaluated 2026-07-17.

Conditions:
KMT2D-related disorder. Also called: KMT2D-Related Disorders.
Kabuki syndrome. Also called: Kabuki make-up syndrome; NIIKAWA-KUROKI SYNDROME. Identifiers: Orphanet 2322, MedGen C0796004, MONDO:0016512.

Allele frequency attached by ClinVar (database versions not stated): TOPMed below 0.00001; gnomAD 0.00001 and 0.00003; ExAC 0.00002; gnomAD exomes 0.00003; 1000 Genomes Project 30x 0.00016.

Submissions (2):

PreventionGenetics, part of Exact Sciences
Classification: Likely benign for KMT2D-related condition. Last evaluated: 2026-07-17. Review status: criteria provided, single submitter. Criteria: ACMG Guidelines, 2015. Collection method: clinical testing. Allele origin: germline.
Comment: This variant is classified as likely benign based on ACMG/AMP sequence variant interpretation guidelines (Richards et al. 2015 PMID: 25741868, with internal and published modifications).

Labcorp Genetics (formerly Invitae), Labcorp
Classification: Likely benign for Kabuki syndrome. Last evaluated: 2024-06-08. Review status: criteria provided, single submitter. Criteria: Invitae Variant Classification Sherloc (09022015). Collection method: clinical testing. Allele origin: germline.

NM_003482.4(KMT2D):c.4543G>A (p.Val1515Ile)

Gene: KMT2D (lysine methyltransferase 2D; minus strand). Cytogenetic location: 12q13.12.
Variant type: single nucleotide variant.
Coding change: c.4543G>A on transcript NM_003482.4 (MANE Select); coding-DNA position 4543, G replaced by A.
Protein change: p.Val1515Ile; replaces valine 1515 with isoleucine.
Molecular consequence: missense variant.
Genome position (GRCh38, 1-based): chr12:49,046,300, C>T on the plus strand (G>A on the coding strand, the complement: KMT2D is on the minus strand). VCF-style: chr12-49046300-C-T. GRCh37 (hg19) VCF-style: chr12-49440083-C-T.
Other names: short protein forms V1515I.
Identifiers: ClinVar variation 712179 (VCV000712179.7), dbSNP rs184496763, ClinGen allele CA6547806.
Genomic context (GRCh38, chr12:49,046,300, plus strand): 5'-GGAGAAAGGGATGTTCTCACCGTTCACAGTGGCGGCACTGGATTAGTAGGTCCTCTTCTA[C>T]GTAAGGAGCATGACAGATAGGGCAGGTCACCAGGCTGGCACAGGGCCCACAGTGTGTGTA-3'
Protein context (NP_003473.3, residues 1505-1525): VTCPICHAPY[Val1515Ile]EEDLLIQCRH